The following is an entry in ClinVar:

NM_004370.6(COL12A1):c.628dup (p.Ile210fs)

Gene: COL12A1 (collagen type XII alpha 1 chain; minus strand). Cytogenetic location: 6q13.
Variant type: Duplication.
Coding change: c.628dup on transcript NM_004370.6 (MANE Select); coding-DNA position 628, one base duplicated (A; older notation c.628dupA).
Protein change: p.Ile210fs; shifts the reading frame from isoleucine 210.
Molecular consequence: frameshift variant. On other transcripts: intron variant (2).
Genome position (GRCh38, 1-based): chr6:75,189,582, T duplicated on the plus strand (A on the coding strand, the reverse complement: COL12A1 is on the minus strand); the first of 8 consecutive T bases (chr6:75,189,582-75,189,589); duplicating any one gives the same sequence. VCF-style (leftmost placement, unchanged base first): chr6-75189581-A-AT. GRCh37 (hg19) VCF-style: chr6-75899297-A-AT.
Other names: p.Ile210Asnfs*4; c.628dup, p.Ile210fs (NM_001424113.1, NM_001424114.1, NM_001424115.1); c.73+13138dup (NM_001424116.1, NM_080645.3); short protein forms I210fs.
Identifiers: ClinVar variation 4541190 (VCV004541190.1).
Genomic context (GRCh38, chr6:75,189,581, plus strand): 5'-TTTTAACTTTAAAAAAATCTGTAGAACATACCTGTCATTGTGTTGCCACCTTTATATGGA[A>AT]TTTTTTTTATTGCAGCAAGAAGTTCATCCCTTTGGTAGTACTGATTTAAGTTAAATTCAG-3'

ClinVar aggregate classification (germline): Likely pathogenic (1 of 4 stars; one submission).

Submission:

Mayo Clinic Laboratories, Mayo Clinic
Classification: Likely pathogenic. Last evaluated: 2025-08-20. Review status: criteria provided, single submitter. Criteria: ACMG Guidelines, 2015. Collection method: clinical testing. Allele origin: germline. Observed: 1 variant allele.
Comment: PM2_supporting, PVS1

Literature cited by the submitters: PubMed 39087360.